The following is an entry in ClinVar:

ClinVar aggregate classification (germline): Pathogenic. Review status: criteria provided, multiple submitters, no conflicts (2 of 4 stars). 2 submissions from 2 submitters: Pathogenic (2). Last evaluated 2023-11-16.

Conditions:
PHKA2-related disorder. Also called: PHKA2-related condition.

gnomAD v4.1: 2 of 1,210,782 alleles (0.00017%); highest among the groups gnomAD compares: Non-Finnish European, 0.00022%; no homozygotes.

Submissions (2):

GeneDx
Classification: Pathogenic. Last evaluated: 2023-11-16. Review status: criteria provided, single submitter. Criteria: GeneDx Variant Classification Process June 2021. Collection method: clinical testing. Allele origin: germline. Affected: yes.
Comment: Not observed at significant frequency in large population cohorts (gnomAD); Nonsense variant predicted to result in protein truncation or nonsense mediated decay in a gene for which loss of function is a known mechanism of disease; This variant is associated with the following publications: (PMID: Liu2017[CaseReport], 34615823, 33799212, 35957617, 28283841)

Blueprint Genetics
Classification: Pathogenic for PHKA2-related disorders. Last evaluated: 2019-10-04. Review status: criteria provided, single submitter. Criteria: ACMG Guidelines, 2015. Collection method: clinical testing. Allele origin: germline. Affected: yes. Observed: 1 variant allele.

NM_000292.3(PHKA2):c.3334G>T (p.Glu1112Ter)

Gene: PHKA2 (phosphorylase kinase regulatory subunit alpha 2; minus strand). Cytogenetic location: Xp22.13.
Variant type: single nucleotide variant.
Coding change: c.3334G>T on transcript NM_000292.3 (MANE Select); coding-DNA position 3334, G replaced by T.
Protein change: p.Glu1112Ter; replaces glutamic acid 1112 with a stop codon.
Molecular consequence: nonsense.
Genome position (GRCh38, 1-based): chrX:18,895,140, C>A on the plus strand (G>T on the coding strand, the complement: PHKA2 is on the minus strand). VCF-style: chrX-18895140-C-A. GRCh37 (hg19) VCF-style: chrX-18913258-C-A.
Other names: short protein forms E1112*.
Identifiers: ClinVar variation 3340953 (VCV003340953.2).
Genomic context (GRCh38, chrX:18,895,140, plus strand): 5'-ATGAAGCCCTTATTGTGAACCCACAGAGGGGCCCGCCTCTGCGTTTTTCTCATCGTACCT[C>A]TCGGGTCGTCGAGGATGGGAGGACATAACCATCGATGGAGAGACCGTGGCACTGGAGGCA-3'